The following is an entry in ClinVar:

NM_000214.3(JAG1):c.718C>A (p.Pro240Thr)

Gene: JAG1 (jagged canonical Notch ligand 1; minus strand). Cytogenetic location: 20p12.2.
Variant type: single nucleotide variant.
Coding change: c.718C>A on transcript NM_000214.3 (MANE Select); coding-DNA position 718, C replaced by A.
Protein change: p.Pro240Thr; replaces proline 240 with threonine.
Molecular consequence: missense variant.
Genome position (GRCh38, 1-based): chr20:10,656,435, G>T on the plus strand (C>A on the coding strand, the complement: JAG1 is on the minus strand). VCF-style: chr20-10656435-G-T. GRCh37 (hg19) VCF-style: chr20-10637083-G-T.
Other names: short protein forms P240T.
Identifiers: ClinVar variation 3573087 (VCV003573087.2).

Conditions:
Arteriohepatic dysplasia. Also called: Alagille Syndrome. Identifiers: Orphanet 52, MedGen C0085280, MeSH D016738, MONDO:0007318.

gnomAD v4.1: 1 of 1,614,064 alleles (0.000062%); highest among the groups gnomAD compares: Non-Finnish European, 0.000085%; no homozygotes.

Submission:

Gilbert/Spinner Lab, Children's Hospital of Philadelphia
No classification provided (evidence only). Condition: Alagille syndrome. Review status: no classification provided. Collection method: research. Allele origin: not applicable. Functional consequence: functionally_abnormal.
ClinVar note: "not provided" was previously submitted as the classification for the variant. However, the classification appeared to be based only on an observation of functional data so it was converted to no classification on 2025-07-30.